The following is an entry in ClinVar:

ClinVar aggregate classification (germline): Likely benign (1 of 4 stars; one submission).

Submission:

CeGaT Center for Human Genetics Tuebingen
Classification: Likely benign. Last evaluated: 2026-07-01. Review status: criteria provided, single submitter. Criteria: CeGaT Center For Human Genetics Tuebingen Variant Classification Criteria Version 2. Collection method: clinical testing. Allele origin: germline. Affected: yes. Observed: 1 variant allele.
Comment: MYOD1: BP4, BP7

NM_002478.5(MYOD1):c.363C>T (p.Arg121=)

Gene: MYOD1 (myogenic differentiation 1; plus strand). Cytogenetic location: 11p15.1.
Variant type: single nucleotide variant.
Coding change: c.363C>T on transcript NM_002478.5 (MANE Select); coding-DNA position 363, C replaced by T.
Protein change: p.Arg121=; no amino-acid change (arginine 121 retained).
Molecular consequence: synonymous variant.
Genome position (GRCh38, 1-based): chr11:17,720,145, C>T. VCF-style: chr11-17720145-C-T. GRCh37 (hg19) VCF-style: chr11-17741692-C-T.
Identifiers: ClinVar variation 5039999 (VCV005039999.1).